The following is an entry in ClinVar:

NM_005228.5(EGFR):c.2957G>T (p.Arg986Ile)

Gene: EGFR (epidermal growth factor receptor; plus strand). Cytogenetic location: 7p11.2.
Variant type: single nucleotide variant.
Coding change: c.2957G>T on transcript NM_005228.5 (MANE Select); coding-DNA position 2957, G replaced by T.
Protein change: p.Arg986Ile; replaces arginine 986 with isoleucine.
Molecular consequence: missense variant.
Genome position (GRCh38, 1-based): chr7:55,201,198, G>T. VCF-style: chr7-55201198-G-T. GRCh37 (hg19) VCF-style: chr7-55268891-G-T.
Other names: c.2822G>T, p.Arg941Ile (NM_001346897.2, NM_001346899.2); c.2957G>T, p.Arg986Ile (NM_001346898.2); c.2798G>T, p.Arg933Ile (NM_001346900.2); c.2156G>T, p.Arg719Ile (NM_001346941.2); short protein forms R986I, R933I, R941I, R719I.
Identifiers: ClinVar variation 4016806 (VCV004016806.1).
Genomic context (GRCh38, chr7:55,201,198, plus strand): 5'-GAATAGCATCTCTACGGGCCATTCTAATAGCCTCAAAATCTCTGCACCAGGGGGATGAAA[G>T]AATGCATTTGCCAAGTCCTACAGACTCCAACTTCTACCGTGCCCTGATGGATGAAGAAGA-3'
Protein context (NP_005219.2, residues 976-996): QRYLVIQGDE[Arg986Ile]MHLPSPTDSN

ClinVar aggregate classification (germline): Uncertain significance (1 of 4 stars; one submission).

Conditions:
Hereditary cancer-predisposing syndrome. Also called: Tumor predisposition; Hereditary neoplastic syndrome; Neoplastic Syndromes, Hereditary; Hereditary Cancer Syndrome. Identifiers: Orphanet 140162, MedGen C0027672, MeSH D009386, MONDO:0015356.

gnomAD v4.1: 1 of 1,614,188 alleles (0.000062%); highest among the groups gnomAD compares: South Asian, 0.0011%; no homozygotes.

Submission:

Ambry Genetics
Classification: Uncertain significance for Hereditary cancer-predisposing syndrome. Last evaluated: 2025-06-03. Review status: criteria provided, single submitter. Criteria: Ambry Variant Classification Scheme 2023. Collection method: clinical testing. Allele origin: germline.
Comment: The p.R986I variant (also known as c.2957G>T), located in coding exon 25 of the EGFR gene, results from a G to T substitution at nucleotide position 2957. The arginine at codon 986 is replaced by isoleucine, an amino acid with similar properties. This amino acid position is conserved. In addition, the in silico prediction for this alteration is inconclusive. Based on the available evidence, the clinical significance of this variant remains unclear.